The following is an entry in ClinVar:

ClinVar aggregate classification (germline): Pathogenic/Likely pathogenic. Review status: criteria provided, multiple submitters, no conflicts (2 of 4 stars). 5 submissions from 5 submitters: Pathogenic (3); Likely pathogenic (2). Last evaluated 2026-04-30.

Conditions:
Werner syndrome (WRN). Identifiers: Orphanet 902, MedGen C0043119, MONDO:0010196, OMIM 277700.
WRN-related disorder. Also called: WRN-related condition.

Allele frequency attached by ClinVar (database versions not stated): TOPMed 0.00001; gnomAD 0.00002; gnomAD exomes 0.00002 and 0.00003; ExAC 0.00003.

Submissions (5):

PreventionGenetics, part of Exact Sciences
Classification: Pathogenic for WRN-related condition. Last evaluated: 2026-04-30. Review status: criteria provided, single submitter. Criteria: ACMG Guidelines, 2015. Collection method: clinical testing. Allele origin: germline.
Comment: The WRN c.1578delC variant is predicted to result in a frameshift and premature protein termination (p.Leu528Cysfs*29). This variant has been reported in an individual with Werner syndrome (Yokote et al. 2017. PubMed ID: 27667302). This variant is reported in 0.012% of alleles in individuals of European (Finnish) descent in gnomAD. This variant is interpreted as pathogenic.

Labcorp Genetics (formerly Invitae), Labcorp
Classification: Pathogenic for Werner syndrome. Last evaluated: 2025-05-27. Review status: criteria provided, single submitter. Criteria: Invitae Variant Classification Sherloc (09022015). Collection method: clinical testing. Allele origin: germline.
Comment: This sequence change creates a premature translational stop signal (p.Leu528Cysfs*29) in the WRN gene. It is expected to result in an absent or disrupted protein product. Loss-of-function variants in WRN are known to be pathogenic (PMID: 16673358). This variant is present in population databases (rs780555196, gnomAD 0.01%). This premature translational stop signal has been observed in individual(s) with Werner syndrome (PMID: 27667302). ClinVar contains an entry for this variant (Variation ID: 624320). For these reasons, this variant has been classified as Pathogenic.

Fulgent Genetics
Classification: Likely pathogenic for Werner syndrome. Last evaluated: 2024-03-01. Review status: criteria provided, single submitter. Criteria: ACMG Guidelines, 2015. Collection method: clinical testing. Allele origin: germline.

Baylor Genetics
Classification: Pathogenic for Werner syndrome. Last evaluated: 2023-10-22. Review status: criteria provided, single submitter. Criteria: ACMG Guidelines, 2015. Collection method: clinical testing. Allele origin: unknown.

CeGaT Center for Human Genetics Tuebingen
Classification: Likely pathogenic. Last evaluated: 2018-07-01. Review status: criteria provided, single submitter. Criteria: CeGaT Center For Human Genetics Tuebingen Variant Classification Criteria Version 2. Collection method: clinical testing. Allele origin: germline. Affected: yes. Observed: 1 variant allele.

Literature cited by the submitters: PubMed 16673358 (cited by Labcorp Genetics (formerly Invitae), Labcorp); PubMed 27667302 (cited by Labcorp Genetics (formerly Invitae), Labcorp).

NM_000553.6(WRN):c.1578del (p.Leu528fs)

Gene: WRN (WRN RecQ like helicase; plus strand). Cytogenetic location: 8p12.
Variant type: Deletion.
Coding change: c.1578del on transcript NM_000553.6 (MANE Select); coding-DNA position 1578, one base deleted (C; older notation c.1578delC).
Protein change: p.Leu528fs; shifts the reading frame from leucine 528.
Molecular consequence: frameshift variant.
Genome position (GRCh38, 1-based): chr8:31,088,891, C deleted. VCF-style (leftmost placement, unchanged base first): chr8-31088890-AC-A. GRCh37 (hg19) VCF-style: chr8-30946406-AC-A.
Other names: c.1578del (NM_000553.4); short protein forms L528fs.
Identifiers: ClinVar variation 624320 (VCV000624320.53), dbSNP rs780555196, ClinGen allele CA4704422.
Genomic context (GRCh38, chr8:31,088,890, plus strand): 5'-TCTCCCTCTATGTGGTGTTTTTCTACTTGAACATAAATGCACATTTTATTTTATTTCCAG[AC>A]TTTTTGTGGCCAGCACCCAATGAAGAGCAAGTTACTTGCCTCAAGATGTACTTTGGCCAT-3'